The following is an entry in ClinVar:

ClinVar aggregate classification (germline): Uncertain significance (1 of 4 stars; one submission).

Conditions:
Nemaline myopathy 6 (NEM6). Also called: Nemaline myopathy 6, autosomal dominant. Identifiers: Orphanet 171439, MedGen C1836472, MONDO:0012237, OMIM 609273.

Submission:

Labcorp Genetics (formerly Invitae), Labcorp
Classification: Uncertain significance for Nemaline myopathy 6. Last evaluated: 2025-07-29. Review status: criteria provided, single submitter. Criteria: Invitae Variant Classification Sherloc (09022015). Collection method: clinical testing. Allele origin: germline.
Comment: This sequence change replaces arginine, which is basic and polar, with leucine, which is neutral and non-polar, at codon 119 of the KBTBD13 protein (p.Arg119Leu). This variant is not present in population databases (gnomAD no frequency). This variant has not been reported in the literature in individuals affected with KBTBD13-related conditions. Invitae Evidence Modeling of protein sequence and biophysical properties (such as structural, functional, and spatial information, amino acid conservation, physicochemical variation, residue mobility, and thermodynamic stability) indicates that this missense variant is not expected to disrupt KBTBD13 protein function with a negative predictive value of 80%. In summary, the available evidence is currently insufficient to determine the role of this variant in disease. Therefore, it has been classified as a Variant of Uncertain Significance.

NM_001101362.3(KBTBD13):c.356G>T (p.Arg119Leu)

Gene: KBTBD13 (kelch repeat and BTB domain containing 13; plus strand). Cytogenetic location: 15q22.31.
Variant type: single nucleotide variant.
Coding change: c.356G>T on transcript NM_001101362.3 (MANE Select); coding-DNA position 356, G replaced by T.
Protein change: p.Arg119Leu; replaces arginine 119 with leucine.
Molecular consequence: missense variant.
Genome position (GRCh38, 1-based): chr15:65,077,171, G>T. VCF-style: chr15-65077171-G-T. GRCh37 (hg19) VCF-style: chr15-65369509-G-T.
Other names: short protein forms R119L.
Identifiers: ClinVar variation 4744729 (VCV004744729.1).